The following is an entry in ClinVar:

ClinVar aggregate classification (germline): Uncertain significance. Review status: criteria provided, multiple submitters, no conflicts (2 of 4 stars). 2 submissions from 2 submitters: Uncertain significance (2). Last evaluated 2024-02-17.

Conditions:
Chédiak-Higashi syndrome (CHS). Also called: Chediak-Higashi Syndrome. Identifiers: Orphanet 167, MedGen C0007965, MONDO:0008963, OMIM 214500.

Allele frequency attached by ClinVar (database versions not stated): gnomAD exomes 0.00001.
gnomAD v4.1: 21 of 1,614,170 alleles (0.0013%); highest among the groups gnomAD compares: East Asian, 0.047%; no homozygotes.

Submissions (2):

Labcorp Genetics (formerly Invitae), Labcorp
Classification: Uncertain significance for Chédiak-Higashi syndrome. Last evaluated: 2024-02-17. Review status: criteria provided, single submitter. Criteria: Invitae Variant Classification Sherloc (09022015). Collection method: clinical testing. Allele origin: germline.
Comment: This sequence change replaces tyrosine, which is neutral and polar, with cysteine, which is neutral and slightly polar, at codon 3364 of the LYST protein (p.Tyr3364Cys). This variant is not present in population databases (gnomAD no frequency). This variant has not been reported in the literature in individuals affected with LYST-related conditions. ClinVar contains an entry for this variant (Variation ID: 296358). Advanced modeling of protein sequence and biophysical properties (such as structural, functional, and spatial information, amino acid conservation, physicochemical variation, residue mobility, and thermodynamic stability) performed at Invitae indicates that this missense variant is not expected to disrupt LYST protein function with a negative predictive value of 80%. In summary, the available evidence is currently insufficient to determine the role of this variant in disease. Therefore, it has been classified as a Variant of Uncertain Significance.

Illumina Laboratory Services, Illumina
Classification: Uncertain significance for Chédiak-Higashi syndrome. Last evaluated: 2018-01-13. Review status: criteria provided, single submitter. Criteria: ICSL Variant Classification Criteria 13 December 2019. Collection method: clinical testing. Allele origin: germline.

NM_000081.4(LYST):c.10091A>G (p.Tyr3364Cys)

Genes: LYST (lysosomal trafficking regulator; minus strand), LOC126806063 (MED14-independent group 3 enhancer GRCh37_chr1:235871544-235872743; plus strand). Cytogenetic location: 1q42.3.
Variant type: single nucleotide variant.
Coding change: c.10091A>G on transcript NM_000081.4 (MANE Select); coding-DNA position 10091, A replaced by G.
Protein change: p.Tyr3364Cys; replaces tyrosine 3364 with cysteine.
Molecular consequence: missense variant.
Genome position (GRCh38, 1-based): chr1:235,709,143, T>C on the plus strand (A>G on the coding strand, the complement: LYST is on the minus strand). VCF-style: chr1-235709143-T-C. GRCh37 (hg19) VCF-style: chr1-235872443-T-C.
Other names: c.10091A>G, p.Tyr3364Cys (NM_001301365.1); short protein forms Y3364C.
Identifiers: ClinVar variation 296358 (VCV000296358.11), dbSNP rs886046169, ClinGen allele CA10610410.